The following is an entry in ClinVar:

NM_001039803.3(CDK20):c.249C>T (p.Phe83=)

Gene: CDK20 (cyclin dependent kinase 20; minus strand). Cytogenetic location: 9q22.1.
Variant type: single nucleotide variant.
Coding change: c.249C>T on transcript NM_001039803.3 (MANE Select); coding-DNA position 249, C replaced by T.
Protein change: p.Phe83=; no amino-acid change (phenylalanine 83 retained).
Molecular consequence: synonymous variant.
Genome position (GRCh38, 1-based): chr9:87,971,276, G>A on the plus strand (C>T on the coding strand, the complement: CDK20 is on the minus strand). VCF-style: chr9-87971276-G-A. GRCh37 (hg19) VCF-style: chr9-90586191-G-A.
Other names: c.249C>T, p.Phe83= (NM_001170639.2, NM_001170640.2, NM_012119.5); c.288C>T, p.Phe96= (NM_178432.4).
Identifiers: ClinVar variation 3054527 (VCV003054527.2), dbSNP rs373884873, ClinGen allele CA5114245.

ClinVar aggregate classification (germline): Likely benign (0 of 4 stars; one submission).

Conditions:
CDK20-related disorder. Also called: CDK20-related condition.

Allele frequency attached by ClinVar (database versions not stated): gnomAD exomes 0.00002; gnomAD 0.00005; ExAC 0.00006; TOPMed 0.00006; ESP Exome Variant Server 0.00008.
gnomAD v4.1: 44 of 1,613,940 alleles (0.0027%); highest among the groups gnomAD compares: Admixed American, 0.018%; no homozygotes.

Submission:

PreventionGenetics, part of Exact Sciences
Classification: Likely benign for CDK20-related condition. Last evaluated: 2022-02-03. Review status: no assertion criteria provided. Collection method: clinical testing. Allele origin: germline.
Comment: This variant is classified as likely benign based on ACMG/AMP sequence variant interpretation guidelines (Richards et al. 2015 PMID: 25741868, with internal and published modifications).